The following is an entry in ClinVar:

ClinVar aggregate classification (germline): Likely benign (1 of 4 stars; one submission).

Allele frequency attached by ClinVar (database versions not stated): TOPMed 0.00002; 1000 Genomes Project 30x 0.00016; 1000 Genomes Project 0.00020; ExAC 0.00012.
gnomAD v4.1: 13 of 1,502,306 alleles (0.00087%); highest among the groups gnomAD compares: Non-Finnish European, 0.0012%; no homozygotes.

Submission:

GeneDx
Classification: Likely benign. Last evaluated: 2018-03-09. Review status: criteria provided, single submitter. Criteria: GeneDx Variant Classification (06012015). Collection method: clinical testing. Allele origin: germline. Affected: yes.
Comment: This variant is considered likely benign or benign based on one or more of the following criteria: it is a conservative change, it occurs at a poorly conserved position in the protein, it is predicted to be benign by multiple in silico algorithms, and/or has population frequency not consistent with disease.

NM_001145308.5(LRTOMT):c.594G>C (p.Pro198=)

Genes: ANAPC15 (anaphase promoting complex subunit 15; minus strand), LRTOMT (leucine rich transmembrane and O-methyltransferase domain containing; plus strand), TOMT (transmembrane O-methyltransferase; plus strand). Cytogenetic location: 11q13.4.
Variant type: single nucleotide variant.
Coding change: c.594G>C on transcript NM_001145308.5; coding-DNA position 594, G replaced by C.
Protein change: p.Pro198=; no amino-acid change (proline 198 retained).
Molecular consequence: synonymous variant. On other transcripts: 3 prime UTR variant (3), non-coding transcript variant (1), intron variant (7).
Genome position (GRCh38, 1-based): chr11:72,108,643, G>C. VCF-style: chr11-72108643-G-C. GRCh37 (hg19) VCF-style: chr11-71819689-G-C.
Other names: c.495G>C, p.Pro165= (NM_001393500.2); c.594G>C, p.Pro198= (NM_001145309.4); c.474G>C, p.Pro158= (NM_001145310.4); c.*176C>G (NM_001393443.1, NM_001393444.1, NM_001393445.1); c.64-1038C>G (NM_001393459.1); c.319-1038C>G (NM_001393430.1, NM_001393429.1, NM_001393428.1 and 3 more transcripts).
Identifiers: ClinVar variation 515920 (VCV000515920.3), dbSNP rs543661539, ClinGen allele CA6168633.